The following is an entry in ClinVar:

NM_004168.4(SDHA):c.1214C>A (p.Thr405Asn)

Gene: SDHA (succinate dehydrogenase complex flavoprotein subunit A; plus strand). Cytogenetic location: 5p15.33.
Variant type: single nucleotide variant.
Coding change: c.1214C>A on transcript NM_004168.4 (MANE Select); coding-DNA position 1214, C replaced by A.
Protein change: p.Thr405Asn; replaces threonine 405 with asparagine.
Molecular consequence: missense variant.
Genome position (GRCh38, 1-based): chr5:235,293, C>A. VCF-style: chr5-235293-C-A. GRCh37 (hg19) VCF-style: chr5-235408-C-A.
Other names: c.1070C>A, p.Thr357Asn (NM_001294332.2); c.1214C>A, p.Thr405Asn (NM_001330758.2); short protein forms T405N, T357N.
Identifiers: ClinVar variation 472308 (VCV000472308.13), dbSNP rs1553999491, ClinGen allele CA359013681.

ClinVar aggregate classification (germline): Uncertain significance. Review status: criteria provided, multiple submitters, no conflicts (2 of 4 stars). 4 submissions from 4 submitters: Uncertain significance (4). Last evaluated 2025-09-14.

Conditions:
Hereditary cancer-predisposing syndrome. Also called: Neoplastic Syndromes, Hereditary; Hereditary Cancer Syndrome; Hereditary neoplastic syndrome; Tumor predisposition. Identifiers: Orphanet 140162, MedGen C0027672, MeSH D009386, MONDO:0015356.
Mitochondrial complex II deficiency, nuclear type 1. Also called: SUCCINATE CoQ REDUCTASE DEFICIENCY. Identifiers: Orphanet 3208, MedGen C5700310, MONDO:0100294, OMIM 252011.
Pheochromocytoma/paraganglioma syndrome 5. Also called: Paragangliomas 5; SDHA-Related Hereditary Paraganglioma-Pheochromocytoma Syndrome. Identifiers: Orphanet 29072, MedGen C3279992, MONDO:0013602, OMIM 614165.

Submissions (4):

Labcorp Genetics (formerly Invitae), Labcorp
Classification: Uncertain significance for Pheochromocytoma/paraganglioma syndrome 5; Mitochondrial complex II deficiency, nuclear type 1. Last evaluated: 2025-09-14. Review status: criteria provided, single submitter. Criteria: Invitae Variant Classification Sherloc (09022015). Collection method: clinical testing. Allele origin: germline.
Comment: This sequence change replaces threonine, which is neutral and polar, with asparagine, which is neutral and polar, at codon 405 of the SDHA protein (p.Thr405Asn). This variant is not present in population databases (gnomAD no frequency). This variant has not been reported in the literature in individuals affected with SDHA-related conditions. ClinVar contains an entry for this variant (Variation ID: 472308). Invitae Evidence Modeling of protein sequence and biophysical properties (such as structural, functional, and spatial information, amino acid conservation, physicochemical variation, residue mobility, and thermodynamic stability) has been performed for this missense variant. However, the output from this modeling did not meet the statistical confidence thresholds required to predict the impact of this variant on SDHA protein function. In summary, the available evidence is currently insufficient to determine the role of this variant in disease. Therefore, it has been classified as a Variant of Uncertain Significance.

St. Jude Molecular Pathology, St. Jude Children's Research Hospital
Classification: Uncertain significance for Pheochromocytoma/paraganglioma syndrome 5. Last evaluated: 2025-06-17. Review status: criteria provided, single submitter. Criteria: St. Jude Assertion Criteria 2020. Collection method: clinical testing. Allele origin: germline.
Comment: The SDHA c.1214C>A p.(Thr405Asn) missense change is absent in gnomAD v2.1.1. The in silico tool REVEL is inconclusive about a pathogenic or benign effect of this variant on protein function, and to our knowledge functional studies have not been performed. To our knowledge, this variant has not been reported in individuals with SDHA-associated tumors. In summary, the evidence currently available is insufficient to determine the clinical significance of this variant. It has therefore been classified as of uncertain significance.

Ambry Genetics
Classification: Uncertain significance for Hereditary cancer-predisposing syndrome. Last evaluated: 2024-09-22. Review status: criteria provided, single submitter. Criteria: Ambry Variant Classification Scheme 2023. Collection method: clinical testing. Allele origin: germline.
Comment: The p.T405N variant (also known as c.1214C>A), located in coding exon 9 of the SDHA gene, results from a C to A substitution at nucleotide position 1214. The threonine at codon 405 is replaced by asparagine, an amino acid with similar properties. This amino acid position is highly conserved in available vertebrate species. In addition, this alteration is predicted to be tolerated by in silico analysis. Based on the available evidence, the clinical significance of this variant remains unclear.

GeneDx
Classification: Uncertain significance. Last evaluated: 2024-06-21. Review status: criteria provided, single submitter. Criteria: GeneDx Variant Classification Process June 2021. Collection method: clinical testing. Allele origin: germline. Affected: yes.
Comment: Not observed at significant frequency in large population cohorts (gnomAD); In silico analysis supports that this missense variant has a deleterious effect on protein structure/function; Has not been previously published as pathogenic or benign to our knowledge